The following is an entry in ClinVar:

ClinVar aggregate classification (germline): Uncertain significance (1 of 4 stars; one submission).

Submission:

GeneDx
Classification: Uncertain significance. Last evaluated: 2023-10-27. Review status: criteria provided, single submitter. Criteria: GeneDx Variant Classification Process June 2021. Collection method: clinical testing. Allele origin: germline. Affected: yes.
Comment: Not observed at significant frequency in large population cohorts (gnomAD); In silico analysis supports that this missense variant does not alter protein structure/function; Has not been previously published as pathogenic or benign to our knowledge

NM_006565.4(CTCF):c.164A>G (p.Asn55Ser)

Gene: CTCF (CCCTC-binding factor; plus strand). Cytogenetic location: 16q22.1.
Variant type: single nucleotide variant.
Coding change: c.164A>G on transcript NM_006565.4 (MANE Select); coding-DNA position 164, A replaced by G.
Protein change: p.Asn55Ser; replaces asparagine 55 with serine.
Molecular consequence: missense variant. On other transcripts: intron variant (1).
Genome position (GRCh38, 1-based): chr16:67,610,996, A>G. VCF-style: chr16-67610996-A-G. GRCh37 (hg19) VCF-style: chr16-67644899-A-G.
Other names: c.164A>G, p.Asn55Ser (NM_001363916.2); c.-32-5749A>G (NM_001191022.2); short protein forms N55S.
Identifiers: ClinVar variation 3363570 (VCV003363570.1).